The following is an entry in ClinVar:

NM_182961.4(SYNE1):c.11254-31T>G

Gene: SYNE1 (spectrin repeat containing nuclear envelope protein 1; minus strand). Cytogenetic location: 6q25.2.
Variant type: single nucleotide variant.
Coding change: c.11254-31T>G on transcript NM_182961.4 (MANE Select); 31 bases into the intron before coding-DNA position 11254, T replaced by G.
Molecular consequence: intron variant.
Genome position (GRCh38, 1-based): chr6:152,352,384, A>C on the plus strand (T>G on the coding strand, the complement: SYNE1 is on the minus strand). VCF-style: chr6-152352384-A-C. GRCh37 (hg19) VCF-style: chr6-152673519-A-C.
Other names: c.11209-31T>G (NM_033071.5).
Identifiers: ClinVar variation 262153 (VCV000262153.4), dbSNP rs6932325, ClinGen allele CA4056724.

ClinVar aggregate classification (germline): Benign. Review status: criteria provided, multiple submitters, no conflicts (2 of 4 stars). 5 submissions from 3 submitters: Benign (5). Last evaluated 2021-07-15.

Conditions:
Arthrogryposis multiplex congenita 3, myogenic type. Also called: ARTHROGRYPOSIS MULTIPLEX CONGENITA, MYOGENIC TYPE. Identifiers: MedGen C5193121, MONDO:0032778, OMIM 618484.
Emery-Dreifuss muscular dystrophy 4, autosomal dominant (EDMD4). Also called: EMERY-DREIFUSS MUSCULAR DYSTROPHY 4 WITH VARIABLE FEATURES. Identifiers: Orphanet 261, MedGen C2751807, MONDO:0013071, OMIM 612998.
Autosomal recessive ataxia, Beauce type. Also called: Spinocerebellar ataxia, autosomal recessive 8; ATAXIA, RECESSIVE, OF BEAUCE; SYNE1-Related Autosomal Recessive Cerebellar Ataxia; SYNE1 Deficiency. Identifiers: Orphanet 88644, MedGen C1853116, MONDO:0012549, OMIM 610743.

Allele frequency attached by ClinVar (database versions not stated): 1000 Genomes Project 0.56749; 1000 Genomes Project 30x 0.57105; ESP Exome Variant Server 0.57960; TOPMed 0.58003.
gnomAD v4.1: 960,600 of 1,599,144 alleles (60%); highest among the groups gnomAD compares: East Asian, 64%; 289,613 homozygotes.

Submissions (5):

Genome-Nilou Lab
Classification: Benign for Arthrogryposis multiplex congenita 3, myogenic type. Last evaluated: 2021-07-15. Review status: criteria provided, single submitter. Criteria: ACMG Guidelines, 2015. Collection method: clinical testing. Allele origin: germline. Affected: no.

Genome-Nilou Lab
Classification: Benign for Emery-Dreifuss muscular dystrophy 4, autosomal dominant. Last evaluated: 2021-07-15. Review status: criteria provided, single submitter. Criteria: ACMG Guidelines, 2015. Collection method: clinical testing. Allele origin: germline. Affected: no.

Genome-Nilou Lab
Classification: Benign for Autosomal recessive ataxia, Beauce type. Last evaluated: 2021-07-15. Review status: criteria provided, single submitter. Criteria: ACMG Guidelines, 2015. Collection method: clinical testing. Allele origin: germline. Affected: no.

GeneDx
Classification: Benign. Last evaluated: 2018-06-14. Review status: criteria provided, single submitter. Criteria: GeneDx Variant Classification (06012015). Collection method: clinical testing. Allele origin: germline. Affected: yes.
Comment: This variant is considered likely benign or benign based on one or more of the following criteria: it is a conservative change, it occurs at a poorly conserved position in the protein, it is predicted to be benign by multiple in silico algorithms, and/or has population frequency not consistent with disease.

PreventionGenetics, part of Exact Sciences
Classification: Benign. Review status: criteria provided, single submitter. Criteria: ACMG Guidelines, 2015. Collection method: clinical testing. Allele origin: germline.